The following is an entry in ClinVar:

ClinVar aggregate classification (germline): Pathogenic/Likely pathogenic. Review status: criteria provided, multiple submitters, no conflicts (2 of 4 stars). 3 submissions from 3 submitters: Pathogenic (2); Likely pathogenic (1). Last evaluated 2024-12-09.

Conditions:
Hereditary cancer-predisposing syndrome. Also called: Hereditary Cancer Syndrome; Hereditary neoplastic syndrome; Neoplastic Syndromes, Hereditary; Tumor predisposition. Identifiers: Orphanet 140162, MedGen C0027672, MeSH D009386, MONDO:0015356.

Submissions (3):

Ambry Genetics
Classification: Pathogenic for Hereditary cancer-predisposing syndrome. Last evaluated: 2024-12-09. Review status: criteria provided, single submitter. Criteria: Ambry Variant Classification Scheme 2023. Collection method: clinical testing. Allele origin: germline.
Comment: The c.9194_9195insA pathogenic mutation, located in coding exon 23 of the BRCA2 gene, results from an insertion of one nucleotide at position 9194, causing a translational frameshift with a predicted alternate stop codon (p.F3065Lfs*7). This alteration is expected to result in loss of function by premature protein truncation or nonsense-mediated mRNA decay. As such, this alteration is interpreted as a disease-causing mutation.

Institute for Genomic Medicine (IGM) Clinical Laboratory, Nationwide Children's Hospital
Classification: Likely pathogenic for Hereditary cancer-predisposing syndrome. Last evaluated: 2024-07-30. Review status: criteria provided, single submitter. Criteria: ACMG Guidelines, 2015. Collection method: clinical testing. Allele origin: germline.
Comment: This variant is predicted to result in loss of function through nonsense-mediated decay of the encoded transcript or premature truncation of the encoded protein in a gene in which loss of function is a known mechanism of disease (ACMG/AMP: PVS1; PMIDs:16234499, 20104584). This variant is absent from or present at an exceedingly low frequency in gnomAD, a large-scale control population database (ACMG/AMP: PM2).

GeneDx
Classification: Pathogenic. Last evaluated: 2017-03-21. Review status: criteria provided, single submitter. Criteria: GeneDx Variant Classification (06012015). Collection method: clinical testing. Allele origin: germline. Affected: yes.
Comment: This insertion of one nucleotide in BRCA2 is denoted c.9194_9195insA at the cDNA level and p.Phe3065LeufsX7 (F3065LfsX7) at the protein level. The normal sequence, with the base that is inserted in brackets, is ACTT[insA]TCAG. The insertion causes a frameshift which changes a Phenylalanine to a Leucine at codon 3065, and creates a premature stop codon at position 7 of the new reading frame. Although this variant has not, to our knowledge, been reported in the literature, it is predicted to cause loss of normal protein function through either protein truncation or nonsense-mediated mRNA decay. We consider this variant to be pathogenic.

Literature cited by the submitters: PubMed 16234499 (cited by Institute for Genomic Medicine (IGM) Clinical Laboratory, Nationwide Children's Hospital); PubMed 20104584 (cited by Institute for Genomic Medicine (IGM) Clinical Laboratory, Nationwide Children's Hospital).

NM_000059.4(BRCA2):c.9194_9195insA (p.Phe3065fs)

Gene: BRCA2 (BRCA2 DNA repair associated; plus strand). Cytogenetic location: 13q13.1.
Variant type: Insertion.
Coding change: c.9194_9195insA on transcript NM_000059.4 (MANE Select); coding-DNA positions 9194 to 9195, A inserted.
Protein change: p.Phe3065fs; shifts the reading frame from phenylalanine 3065.
Molecular consequence: frameshift variant.
Genome position: GRCh38 VCF-style: chr13-32380083-T-TA. GRCh37 (hg19) VCF-style: chr13-32954220-T-TA.
Other names: short protein forms F3065fs.
Identifiers: ClinVar variation 441399 (VCV000441399.8), dbSNP rs1555288549, ClinGen allele CA658653816.